The following is an entry in ClinVar:

ClinVar aggregate classification (germline): Uncertain significance. Review status: criteria provided, multiple submitters, no conflicts (2 of 4 stars). 2 submissions from 2 submitters: Uncertain significance (2). Last evaluated 2025-09-14.

Conditions:
Cardiovascular phenotype. Identifiers: MedGen CN230736.
Dilated cardiomyopathy 1II (CMD1II). Identifiers: Orphanet 154, MedGen C3554649, MONDO:0014073, OMIM 615184.

Allele frequency attached by ClinVar (database versions not stated): TOPMed below 0.00001.

Submissions (2):

Labcorp Genetics (formerly Invitae), Labcorp
Classification: Uncertain significance for Dilated cardiomyopathy 1II. Last evaluated: 2025-09-14. Review status: criteria provided, single submitter. Criteria: Invitae Variant Classification Sherloc (09022015). Collection method: clinical testing. Allele origin: germline.
Comment: This sequence change replaces aspartic acid, which is acidic and polar, with glutamic acid, which is acidic and polar, at codon 127 of the CRYAB protein (p.Asp127Glu). This variant is not present in population databases (gnomAD no frequency). This variant has not been reported in the literature in individuals affected with CRYAB-related conditions. ClinVar contains an entry for this variant (Variation ID: 1423929). An algorithm developed to predict the effect of missense changes on protein structure and function (PolyPhen-2) suggests that this variant is likely to be tolerated. In summary, the available evidence is currently insufficient to determine the role of this variant in disease. Therefore, it has been classified as a Variant of Uncertain Significance.

Ambry Genetics
Classification: Uncertain significance for Cardiovascular phenotype. Last evaluated: 2025-04-10. Review status: criteria provided, single submitter. Criteria: Ambry Variant Classification Scheme 2023. Collection method: clinical testing. Allele origin: germline.
Comment: The p.D127E variant (also known as c.381T>G), located in coding exon 3 of the CRYAB gene, results from a T to G substitution at nucleotide position 381. The aspartic acid at codon 127 is replaced by glutamic acid, an amino acid with highly similar properties. This amino acid position is conserved. In addition, the in silico prediction for this alteration is inconclusive. Based on the available evidence, the clinical significance of this variant remains unclear.

NM_001289808.2(CRYAB):c.381T>G (p.Asp127Glu)

Gene: CRYAB (crystallin alpha B; minus strand). Cytogenetic location: 11q23.1.
Variant type: single nucleotide variant.
Coding change: c.381T>G on transcript NM_001289808.2 (MANE Select); coding-DNA position 381, T replaced by G.
Protein change: p.Asp127Glu; replaces aspartic acid 127 with glutamic acid.
Molecular consequence: missense variant.
Genome position (GRCh38, 1-based): chr11:111,908,911, A>C on the plus strand (T>G on the coding strand, the complement: CRYAB is on the minus strand). VCF-style: chr11-111908911-A-C. GRCh37 (hg19) VCF-style: chr11-111779635-A-C.
Other names: c.381T>G, p.Asp127Glu (NM_001289807.1, NM_001368245.1, NM_001885.3); c.180T>G, p.Asp60Glu (NM_001330379.1, NM_001368246.1); c.381T>G (NM_001885.1); short protein forms D127E, D60E.
Identifiers: ClinVar variation 1423929 (VCV001423929.9), dbSNP rs1286547434, ClinGen allele CA382596421.